The following is an entry in ClinVar:

NM_004168.4(SDHA):c.1065-6T>C

Gene: SDHA (succinate dehydrogenase complex flavoprotein subunit A; plus strand). Cytogenetic location: 5p15.33.
Variant type: single nucleotide variant.
Coding change: c.1065-6T>C on transcript NM_004168.4 (MANE Select); 6 bases into the intron before coding-DNA position 1065, T replaced by C.
Molecular consequence: intron variant.
Genome position (GRCh38, 1-based): chr5:235,138, T>C. VCF-style: chr5-235138-T-C. GRCh37 (hg19) VCF-style: chr5-235253-T-C.
Other names: c.1065-6T>C (NM_001330758.2); c.921-6T>C (NM_001294332.2).
Identifiers: ClinVar variation 702907 (VCV000702907.10), dbSNP rs1579406151, ClinGen allele CA915943266.

ClinVar aggregate classification (germline): Likely benign. Review status: criteria provided, multiple submitters, no conflicts (2 of 4 stars). 2 submissions from 2 submitters: Likely benign (2). Last evaluated 2025-11-05.

Conditions:
Pheochromocytoma/paraganglioma syndrome 5. Also called: Paragangliomas 5; SDHA-Related Hereditary Paraganglioma-Pheochromocytoma Syndrome. Identifiers: Orphanet 29072, MedGen C3279992, MONDO:0013602, OMIM 614165.
Mitochondrial complex II deficiency, nuclear type 1. Also called: SUCCINATE CoQ REDUCTASE DEFICIENCY. Identifiers: Orphanet 3208, MedGen C5700310, MONDO:0100294, OMIM 252011.

Submissions (2):

Labcorp Genetics (formerly Invitae), Labcorp
Classification: Likely benign for Pheochromocytoma/paraganglioma syndrome 5; Mitochondrial complex II deficiency, nuclear type 1. Last evaluated: 2025-11-05. Review status: criteria provided, single submitter. Criteria: Invitae Variant Classification Sherloc (09022015). Collection method: clinical testing. Allele origin: germline.

Myriad Genetics, Inc.
Classification: Likely benign for Pheochromocytoma/paraganglioma syndrome 5. Last evaluated: 2025-03-07. Review status: criteria provided, single submitter. Criteria: Myriad Autosomal Dominant, Autosomal Recessive and X-Linked Classification Criteria (2023). Collection method: clinical testing. Allele origin: unknown.
Comment: This variant is considered likely benign. This variant is intronic and is not expected to impact mRNA splicing.